The following is an entry in ClinVar:

ClinVar aggregate classification (germline): Pathogenic/Likely pathogenic. Review status: criteria provided, multiple submitters, no conflicts (2 of 4 stars). 2 submissions from 2 submitters: Pathogenic (1); Likely pathogenic (1). Last evaluated 2024-02-05.

Conditions:
Menkes kinky-hair syndrome (MNK). Also called: Menkes Disease; Copper transport disease; Classic Menkes Disease. Identifiers: Orphanet 565, MedGen C0022716, MONDO:0010651, OMIM 309400.
Cutis laxa, X-linked (OHS). Also called: EDS IX; Occipital horn syndrome. Identifiers: Orphanet 198, MedGen C0268353, MONDO:0010572, OMIM 304150.
X-linked distal spinal muscular atrophy type 3. Also called: SPINAL MUSCULAR ATROPHY, DISTAL, X-LINKED RECESSIVE; NEURONOPATHY, DISTAL HEREDITARY MOTOR, X-LINKED; NEUROPATHY, DISTAL HEREDITARY MOTOR, X-LINKED; ATP7A-Related Distal Motor Neuropathy. Identifiers: Orphanet 139557, MedGen C1845359, MONDO:0010338, OMIM 300489.

Submissions (2):

Labcorp Genetics (formerly Invitae), Labcorp
Classification: Likely pathogenic for X-linked distal spinal muscular atrophy type 3; Cutis laxa, X-linked; Menkes kinky-hair syndrome. Last evaluated: 2024-02-05. Review status: criteria provided, single submitter. Criteria: Invitae Variant Classification Sherloc (09022015). Collection method: clinical testing. Allele origin: germline.
Comment: This sequence change affects an acceptor splice site in intron 5 of the ATP7A gene. It is expected to disrupt RNA splicing. Variants that disrupt the donor or acceptor splice site typically lead to a loss of protein function (PMID: 16199547), and loss-of-function variants in ATP7A are known to be pathogenic (PMID: 11241493, 20652413). This variant is not present in population databases (gnomAD no frequency). This variant has not been reported in the literature in individuals affected with ATP7A-related conditions. ClinVar contains an entry for this variant (Variation ID: 210394). Algorithms developed to predict the effect of sequence changes on RNA splicing suggest that this variant may disrupt the consensus splice site. In summary, the currently available evidence indicates that the variant is pathogenic, but additional data are needed to prove that conclusively. Therefore, this variant has been classified as Likely Pathogenic.

Genetic Services Laboratory, University of Chicago
Classification: Pathogenic for Menkes disease. Last evaluated: 2013-02-08. Review status: criteria provided, single submitter. Criteria: ACMG Guidelines, 2007. Collection method: clinical testing. Allele origin: germline. Affected: yes.

Literature cited by the submitters: PubMed 16199547 (cited by Labcorp Genetics (formerly Invitae), Labcorp); PubMed 11241493 (cited by Labcorp Genetics (formerly Invitae), Labcorp); PubMed 20652413 (cited by Labcorp Genetics (formerly Invitae), Labcorp).

NM_000052.7(ATP7A):c.1544-1G>A

Gene: ATP7A (ATPase copper transporting alpha; plus strand). Cytogenetic location: Xq21.1.
Variant type: single nucleotide variant.
Coding change: c.1544-1G>A on transcript NM_000052.7 (MANE Select); the canonical splice acceptor site of the intron before coding-DNA position 1544, G replaced by A.
Molecular consequence: splice acceptor variant.
Genome position (GRCh38, 1-based): chrX:78,003,072, G>A. VCF-style: chrX-78003072-G-A. GRCh37 (hg19) VCF-style: chrX-77258569-G-A.
Other names: c.1544-1G>A (NM_001282224.2).
Identifiers: ClinVar variation 210394 (VCV000210394.8), dbSNP rs797045331, ClinGen allele CA277184.